The following is an entry in ClinVar:

ClinVar aggregate classification (germline): Pathogenic/Likely pathogenic. Review status: criteria provided, multiple submitters, no conflicts (2 of 4 stars). 3 submissions from 3 submitters: Pathogenic (2); Likely pathogenic (1). Last evaluated 2022-03-15.

Conditions:
Neurofibromatosis, type 1 (NF1). Also called: Peripheral type neurofibromatosis; Neurofibromatosis, type I; VON RECKLINGHAUSEN DISEASE; NEUROFIBROMATOSIS, TYPE I, SOMATIC. Identifiers: Orphanet 636, MedGen C0027831, MONDO:0018975, OMIM 162200. Disease mechanism: loss of function.

Submissions (3):

Genome-Nilou Lab
Classification: Pathogenic for Neurofibromatosis, type 1. Last evaluated: 2022-03-15. Review status: criteria provided, single submitter. Criteria: ACMG Guidelines, 2015. Collection method: clinical testing. Allele origin: germline. Affected: no.

3billion
Classification: Likely pathogenic for Neurofibromatosis, type 1. Last evaluated: 2022-01-03. Review status: criteria provided, single submitter. Criteria: ACMG Guidelines, 2015. Collection method: clinical testing. Allele origin: germline. Affected: yes. Observed: 1 heterozygote.
Comment: Stop-gained (nonsense): predicted to result in a loss or disruption of normal protein function through nonsense-mediated decay (NMD) or protein truncation. Multiple pathogenic variants are reported downstream of the variant (PVS1_VS). It is not observed in the gnomAD v2.1.1 dataset (PM2_M). Therefore, this variant is classified as likely pathogenic according to the recommendation of ACMG/AMP guideline.

Labcorp Genetics (formerly Invitae), Labcorp
Classification: Pathogenic for Neurofibromatosis, type 1. Last evaluated: 2021-07-24. Review status: criteria provided, single submitter. Criteria: Invitae Variant Classification Sherloc (09022015). Collection method: clinical testing. Allele origin: germline.
Comment: For these reasons, this variant has been classified as Pathogenic. This variant has not been reported in the literature in individuals with NF1-related conditions. This variant is not present in population databases (ExAC no frequency). This sequence change creates a premature translational stop signal (p.Arg2098*) in the NF1 gene. It is expected to result in an absent or disrupted protein product. Loss-of-function variants in NF1 are known to be pathogenic (PMID: 10712197, 23913538).

Literature cited by the submitters: PubMed 10712197 (cited by Labcorp Genetics (formerly Invitae), Labcorp); PubMed 23913538 (cited by Labcorp Genetics (formerly Invitae), Labcorp).

NM_001042492.3(NF1):c.6355A>T (p.Arg2119Ter)

Gene: NF1 (neurofibromin 1; plus strand). Cytogenetic location: 17q11.2.
Variant type: single nucleotide variant.
Coding change: c.6355A>T on transcript NM_001042492.3 (MANE Select); coding-DNA position 6355, A replaced by T.
Protein change: p.Arg2119Ter; replaces arginine 2119 with a stop codon.
Molecular consequence: nonsense.
Genome position (GRCh38, 1-based): chr17:31,336,842, A>T. VCF-style: chr17-31336842-A-T. GRCh37 (hg19) VCF-style: chr17-29663860-A-T.
Other names: c.6292A>T, p.Arg2098Ter (NM_000267.4); short protein forms R2098*, R2119*.
Identifiers: ClinVar variation 1333425 (VCV001333425.8), dbSNP rs2151554939, ClinGen allele CA399012814.